The following is an entry in ClinVar:

NM_012472.6(DNAAF11):c.224T>G (p.Leu75Ter)

Gene: DNAAF11 (dynein axonemal assembly factor 11; minus strand). Cytogenetic location: 8q24.22.
Variant type: single nucleotide variant.
Coding change: c.224T>G on transcript NM_012472.6 (MANE Select); coding-DNA position 224, T replaced by G.
Protein change: p.Leu75Ter; replaces leucine 75 with a stop codon.
Molecular consequence: nonsense. On other transcripts: 5 prime UTR variant (4), non-coding transcript variant (7), intron variant (1).
Genome position (GRCh38, 1-based): chr8:132,656,862, A>C on the plus strand (T>G on the coding strand, the complement: DNAAF11 is on the minus strand). VCF-style: chr8-132656862-A-C. GRCh37 (hg19) VCF-style: chr8-133669108-A-C.
Other names: c.224T>G, p.Leu75Ter (NM_001321961.2); c.-137T>G (NM_001321963.2, NM_001321964.2, NM_001321966.2); c.-450T>G (NM_001321965.2); c.10+18622T>G (NM_001321962.2); short protein forms L75*.
Identifiers: ClinVar variation 3721556 (VCV003721556.2).

ClinVar aggregate classification (germline): Pathogenic (1 of 4 stars; one submission).

Conditions:
Primary ciliary dyskinesia 19. Also called: CILIARY DYSKINESIA, PRIMARY, 19, WITH OR WITHOUT SITUS INVERSUS. Identifiers: Orphanet 244, MedGen C3543826, MONDO:0013979, OMIM 614935.

gnomAD v4.1: 1 of 1,377,822 alleles (0.000073%); highest among the groups gnomAD compares: Non-Finnish European, 0.0001%; no homozygotes.

Submission:

Labcorp Genetics (formerly Invitae), Labcorp
Classification: Pathogenic for Primary ciliary dyskinesia 19. Last evaluated: 2024-09-27. Review status: criteria provided, single submitter. Criteria: Invitae Variant Classification Sherloc (09022015). Collection method: clinical testing. Allele origin: germline.
Comment: This sequence change creates a premature translational stop signal (p.Leu75*) in the LRRC6 gene. It is expected to result in an absent or disrupted protein product. Loss-of-function variants in LRRC6 are known to be pathogenic (PMID: 23122589). This variant is not present in population databases (gnomAD no frequency). This variant has not been reported in the literature in individuals affected with LRRC6-related conditions. For these reasons, this variant has been classified as Pathogenic.

Literature cited by the submitters: PubMed 23122589.